The following is an entry in ClinVar:

ClinVar aggregate classification (germline): Conflicting classifications of pathogenicity. Review status: criteria provided, conflicting classifications (1 of 4 stars). 8 submissions from 7 submitters: Uncertain significance (1); Benign (6); Likely benign (1). Last evaluated 2026-07-01.

Conditions:
Autosomal recessive ataxia, Beauce type. Also called: ATAXIA, RECESSIVE, OF BEAUCE; SYNE1-Related Autosomal Recessive Cerebellar Ataxia; Spinocerebellar ataxia, autosomal recessive 8; SYNE1 Deficiency. Identifiers: Orphanet 88644, MedGen C1853116, MONDO:0012549, OMIM 610743.
Emery-Dreifuss muscular dystrophy 4, autosomal dominant (EDMD4). Also called: EMERY-DREIFUSS MUSCULAR DYSTROPHY 4 WITH VARIABLE FEATURES. Identifiers: Orphanet 261, MedGen C2751807, MONDO:0013071, OMIM 612998.

Allele frequency attached by ClinVar (database versions not stated): 1000 Genomes Project 0.00040; 1000 Genomes Project 30x 0.00062; ExAC 0.00084; ESP Exome Variant Server 0.00085; gnomAD exomes 0.00090; TOPMed 0.00093; gnomAD 0.00098 and 0.00099.
gnomAD v4.1: 1,460 of 1,614,172 alleles (0.09%); highest among the groups gnomAD compares: Non-Finnish European, 0.085%; 3 homozygotes.

Submissions (9):

CeGaT Center for Human Genetics Tuebingen
Classification: Likely benign. Last evaluated: 2026-07-01. Review status: criteria provided, single submitter. Criteria: CeGaT Center For Human Genetics Tuebingen Variant Classification Criteria Version 2. Collection method: clinical testing. Allele origin: germline. Affected: yes. Observed: 5 variant alleles.
Comment: SYNE1: BP4, BS2

Labcorp Genetics (formerly Invitae), Labcorp
Classification: Benign for Emery-Dreifuss muscular dystrophy 4, autosomal dominant; Autosomal recessive ataxia, Beauce type. Last evaluated: 2025-12-24. Review status: criteria provided, single submitter. Criteria: Invitae Variant Classification Sherloc (09022015). Collection method: clinical testing. Allele origin: germline.

Mayo Clinic Laboratories, Mayo Clinic
Classification: Benign. Last evaluated: 2024-04-22. Review status: criteria provided, single submitter. Criteria: ACMG Guidelines, 2015. Collection method: clinical testing. Allele origin: germline. Observed: 4 variant alleles.
Comment: BS1, BS2, BP4

GeneDx
Classification: Benign. Last evaluated: 2020-04-20. Review status: criteria provided, single submitter. Criteria: GeneDx Variant Classification Process June 2021. Collection method: clinical testing. Allele origin: germline. Affected: yes.
Comment: In silico analysis, which includes splice predictors and evolutionary conservation, suggests this variant may impact gene splicing. In the absence of RNA/functional studies, the actual effect of this sequence change is unknown.

Athena Diagnostics
Classification: Benign. Last evaluated: 2019-03-22. Review status: criteria provided, single submitter. Criteria: Athena Diagnostics Criteria. Collection method: clinical testing. Allele origin: germline.

Illumina Laboratory Services, Illumina
Classification: Benign for Emery-Dreifuss muscular dystrophy 4, autosomal dominant. Last evaluated: 2018-01-12. Review status: criteria provided, single submitter. Criteria: ICSL Variant Classification Criteria 13 December 2019. Collection method: clinical testing. Allele origin: germline.
Comment: This variant was observed in the ICSL laboratory as part of a predisposition screen in an ostensibly healthy population. It had not been previously curated by ICSL or reported in the Human Gene Mutation Database (HGMD: prior to June 1st, 2018), and was therefore a candidate for classification through an automated scoring system. Utilizing variant allele frequency, disease prevalence and penetrance estimates, and inheritance mode, an automated score was calculated to assess if this variant is too frequent to cause the disease. Based on the score and internal cut-off values, a variant classified as benign is not then subjected to further curation. The score for this variant resulted in a classification of benign for this disease.

Illumina Laboratory Services, Illumina
Classification: Uncertain significance for Autosomal recessive ataxia, Beauce type. Last evaluated: 2018-01-12. Review status: criteria provided, single submitter. Criteria: ICSL Variant Classification Criteria 13 December 2019. Collection method: clinical testing. Allele origin: germline.

Eurofins Ntd Llc (ga)
Classification: Benign. Last evaluated: 2016-11-16. Review status: criteria provided, single submitter. Criteria: EGL Classification Definitions 2015. Collection method: clinical testing. Allele origin: germline. Observed: 6 variant alleles, 6 heterozygotes.

Dr. Peter K. Rogan Lab, Western University
No classification provided (evidence only). Condition: Hepatocellular carcinoma. Review status: no classification provided. Collection method: in vitro. Allele origin: not applicable. Functional consequence: retained intron. Not counted in ClinVar's aggregate classification.

NM_182961.4(SYNE1):c.7156A>G (p.Ile2386Val)

Gene: SYNE1 (spectrin repeat containing nuclear envelope protein 1; minus strand). Cytogenetic location: 6q25.2.
Variant type: single nucleotide variant.
Coding change: c.7156A>G on transcript NM_182961.4 (MANE Select); coding-DNA position 7156, A replaced by G.
Protein change: p.Ile2386Val; replaces isoleucine 2386 with valine.
Molecular consequence: missense variant.
Genome position (GRCh38, 1-based): chr6:152,399,697, T>C on the plus strand (A>G on the coding strand, the complement: SYNE1 is on the minus strand). VCF-style: chr6-152399697-T-C. GRCh37 (hg19) VCF-style: chr6-152720832-T-C.
Other names: p.Ile2393Val; c.7177A>G, p.Ile2393Val (NM_033071.5); short protein forms I2386V, I2393V.
Identifiers: ClinVar variation 281692 (VCV000281692.46), dbSNP rs147947903, ClinGen allele CA4057902.
Genomic context (GRCh38, chr6:152,399,697, plus strand): 5'-ATTCCTGCAGGCTGGCCTGGGTTTTGGAGCACAACTGGCTCACGGCTTCATGTTTCTTTA[T>C]CAGACCAGTCATTGCACGGCCCAGGCTCTCCAACTCAGCTGAGTGGTACTTGCGGCACAA-3'
Protein context (NP_892006.3, residues 2376-2396): ESLGRAMTGL[Ile2386Val]KKHEAVSQLC